The following is an entry in ClinVar:

ClinVar aggregate classification (germline): Uncertain significance (1 of 4 stars; one submission).

Conditions:
UTP4-related disorder. Also called: UTP4-related condition.

Submission:

PreventionGenetics, part of Exact Sciences
Classification: Uncertain significance for UTP4-related condition. Last evaluated: 2025-03-20. Review status: criteria provided, single submitter. Criteria: ACMG Guidelines, 2015. Collection method: clinical testing. Allele origin: germline.
Comment: The UTP4 c.1780A>T variant is predicted to result in the amino acid substitution p.Met594Leu. To our knowledge, this variant has not been reported in the literature or in a large population database (gnomAD), indicating this variant is rare. At this time, the clinical significance of this variant is uncertain due to the absence of conclusive functional and genetic evidence.

NM_032830.3(UTP4):c.1780A>T (p.Met594Leu)

Gene: UTP4 (UTP4 small subunit processome component). Cytogenetic location: 16q22.1.
Variant type: single nucleotide variant.
Coding change: c.1780A>T on transcript NM_032830.3 (MANE Select); coding-DNA position 1780, A replaced by T.
Protein change: p.Met594Leu; replaces methionine 594 with leucine.
Molecular consequence: missense variant.
Genome position (GRCh38, 1-based): chr16:69,165,473, A>T. VCF-style: chr16-69165473-A-T. GRCh37 (hg19) VCF-style: chr16-69199376-A-T.
Other names: c.1531A>T, p.Met511Leu (NM_001318391.2); short protein forms M594L, M511L.
Identifiers: ClinVar variation 5001632 (VCV005001632.1).